The following is an entry in ClinVar:

NM_001846.4(COL4A2):c.643A>G (p.Arg215Gly)

Gene: COL4A2 (collagen type IV alpha 2 chain; plus strand). Cytogenetic location: 13q34.
Variant type: single nucleotide variant.
Coding change: c.643A>G on transcript NM_001846.4 (MANE Select); coding-DNA position 643, A replaced by G.
Protein change: p.Arg215Gly; replaces arginine 215 with glycine.
Molecular consequence: missense variant.
Genome position (GRCh38, 1-based): chr13:110,430,602, A>G. VCF-style: chr13-110430602-A-G. GRCh37 (hg19) VCF-style: chr13-111082949-A-G.
Other names: short protein forms R215G.
Identifiers: ClinVar variation 1910121 (VCV001910121.2), dbSNP rs1375779141, ClinGen allele CA388730229.
Genomic context (GRCh38, chr13:110,430,602, plus strand): 5'-TAGGGACCTCCCGGCCGCCCTGGGCATGTGGGACAGATGGGTCCAGTTGGAGCTCCAGGG[A>G]GACCAGTAAGTACCTGGACACAGGTGCCCACTCTGGGACCATCGTCCGGTCATCCCTTCC-3'
Protein context (NP_001837.2, residues 205-225): GQMGPVGAPG[Arg215Gly]PGPPGPPGPK

ClinVar aggregate classification (germline): Uncertain significance (1 of 4 stars; one submission).

Allele frequency attached by ClinVar (database versions not stated): gnomAD exomes below 0.00001; TOPMed below 0.00001.
gnomAD v4.1: 2 of 1,614,206 alleles (0.00012%); highest among the groups gnomAD compares: Non-Finnish European, 0.00017%; no homozygotes.

Submission:

Labcorp Genetics (formerly Invitae), Labcorp
Classification: Uncertain significance. Last evaluated: 2022-04-04. Review status: criteria provided, single submitter. Criteria: Invitae Variant Classification Sherloc (09022015). Collection method: clinical testing. Allele origin: germline.
Comment: This sequence change replaces arginine, which is basic and polar, with glycine, which is neutral and non-polar, at codon 215 of the COL4A2 protein (p.Arg215Gly). This variant is present in population databases (no rsID available, gnomAD 0.002%). This variant has not been reported in the literature in individuals affected with COL4A2-related conditions. Advanced modeling of protein sequence and biophysical properties (such as structural, functional, and spatial information, amino acid conservation, physicochemical variation, residue mobility, and thermodynamic stability) performed at Invitae indicates that this missense variant is not expected to disrupt COL4A2 protein function. In summary, the available evidence is currently insufficient to determine the role of this variant in disease. Therefore, it has been classified as a Variant of Uncertain Significance.